The following is an entry in ClinVar:

NM_001374259.2(IL12RB2):c.1460-2A>T

Gene: IL12RB2 (interleukin 12 receptor subunit beta 2; plus strand). Cytogenetic location: 1p31.3.
Variant type: single nucleotide variant.
Coding change: c.1460-2A>T on transcript NM_001374259.2 (MANE Select); the canonical splice acceptor site of the intron before coding-DNA position 1460, A replaced by T.
Molecular consequence: splice acceptor variant. On other transcripts: intron variant (1).
Genome position (GRCh38, 1-based): chr1:67,372,434, A>T. VCF-style: chr1-67372434-A-T. GRCh37 (hg19) VCF-style: chr1-67838117-A-T.
Other names: c.1460-2A>T (NM_001258214.1, NM_001319233.1, NM_001258216.1 and 1 more transcripts); c.1459+4409A>T (NM_001258215.1).
Identifiers: ClinVar variation 1391234 (VCV001391234.5), dbSNP rs2101014973, ClinGen allele CA340728819.

ClinVar aggregate classification (germline): Uncertain significance (1 of 4 stars; one submission).

Allele frequency attached by ClinVar (database versions not stated): gnomAD exomes below 0.00001.
gnomAD v4.1: 1 of 1,523,474 alleles (0.000066%); highest among the groups gnomAD compares: Non-Finnish European, 0.000091%; no homozygotes.

Submission:

Labcorp Genetics (formerly Invitae), Labcorp
Classification: Uncertain significance. Last evaluated: 2022-06-03. Review status: criteria provided, single submitter. Criteria: Invitae Variant Classification Sherloc (09022015). Collection method: clinical testing. Allele origin: germline.
Comment: In summary, the available evidence is currently insufficient to determine the role of this variant in disease. Therefore, it has been classified as a Variant of Uncertain Significance. Algorithms developed to predict the effect of sequence changes on RNA splicing suggest that this variant may disrupt the consensus splice site. This sequence change affects an acceptor splice site in intron 10 of the IL12RB2 gene. It is expected to disrupt RNA splicing. Variants that disrupt the donor or acceptor splice site typically lead to a loss of protein function (PMID: 16199547), however the current clinical and genetic evidence is not sufficient to establish whether loss-of-function variants in IL12RB2 cause disease. ClinVar contains an entry for this variant (Variation ID: 1391234). This variant has not been reported in the literature in individuals affected with IL12RB2-related conditions. This variant is not present in population databases (gnomAD no frequency).

Literature cited by the submitters: PubMed 16199547.